The following is an entry in ClinVar:

ClinVar aggregate classification (germline): Uncertain significance (1 of 4 stars; one submission).

gnomAD v4.1: 28 of 1,613,164 alleles (0.0017%); highest among the groups gnomAD compares: Non-Finnish European, 0.0023%; no homozygotes.

Submission:

Ambry Genetics
Classification: Uncertain significance. Last evaluated: 2025-11-25. Review status: criteria provided, single submitter. Criteria: Ambry Variant Classification Scheme 2023. Collection method: clinical testing. Allele origin: germline.
Comment: The p.A888V variant (also known as c.2663C>T), located in coding exon 11 of the WNK2 gene, results from a C to T substitution at nucleotide position 2663. The alanine at codon 888 is replaced by valine, an amino acid with similar properties. This amino acid position is conserved. In addition, this alteration is predicted to be tolerated by in silico analysis. Based on the available evidence, the clinical significance of this variant remains unclear.

NM_006648.4(WNK2):c.2663C>T (p.Ala888Val)

Gene: WNK2 (WNK lysine deficient protein kinase 2; plus strand). Cytogenetic location: 9q22.31.
Variant type: single nucleotide variant.
Coding change: c.2663C>T on transcript NM_006648.4 (MANE Select); coding-DNA position 2663, C replaced by T.
Protein change: p.Ala888Val; replaces alanine 888 with valine.
Molecular consequence: missense variant.
Genome position (GRCh38, 1-based): chr9:93,259,211, C>T. VCF-style: chr9-93259211-C-T. GRCh37 (hg19) VCF-style: chr9-96021493-C-T.
Other names: c.2663C>T, p.Ala888Val (NM_001282394.3); short protein forms A888V.
Identifiers: ClinVar variation 4605389 (VCV004605389.1).
Genomic context (GRCh38, chr9:93,259,211, plus strand): 5'-CCCTGGCCATGCCCTGCCGGACCATTGTGCCAAATGCACCGGCCACTATCCCCCTGCTGG[C>T]CGTAGCCCCACCGGGCGTGGCTGCCCTGTCCATTCATTCTGCCGTGGCCCAGCTCCCAGG-3'
Protein context (NP_006639.3, residues 878-898): PNAPATIPLL[Ala888Val]VAPPGVAALS